The following is an entry in ClinVar:

NM_007194.4(CHEK2):c.792+2T>G

Gene: CHEK2 (checkpoint kinase 2; minus strand). Cytogenetic location: 22q12.1.
Variant type: single nucleotide variant.
Coding change: c.792+2T>G on transcript NM_007194.4 (MANE Select); the canonical splice donor site of the intron after coding-DNA position 792, T replaced by G.
Molecular consequence: splice donor variant.
Genome position (GRCh38, 1-based): chr22:28,711,907, A>C on the plus strand (T>G on the coding strand, the complement: CHEK2 is on the minus strand). VCF-style: chr22-28711907-A-C. GRCh37 (hg19) VCF-style: chr22-29107895-A-C.
Other names: c.129+2T>G (NM_001437942.1, NM_001257387.3); c.591+2T>G (NM_001349956.3); c.792+2T>G (NM_145862.3); c.885+2T>G (NM_001438295.1, NM_001438293.1); c.921+2T>G (NM_001438294.1, NM_001005735.3).
Identifiers: ClinVar variation 944634 (VCV000944634.10), dbSNP rs545982789, ClinGen allele CA411103019.

ClinVar aggregate classification (germline): Likely pathogenic. Review status: criteria provided, multiple submitters, no conflicts (2 of 4 stars). 2 submissions from 2 submitters: Likely pathogenic (2). Last evaluated 2024-11-04.

Conditions:
Hereditary cancer-predisposing syndrome. Also called: Neoplastic Syndromes, Hereditary; Hereditary Cancer Syndrome; Tumor predisposition; Hereditary neoplastic syndrome. Identifiers: Orphanet 140162, MedGen C0027672, MeSH D009386, MONDO:0015356.
Familial cancer of breast. Also called: hereditary breast carcinoma; BREAST CANCER, FAMILIAL; Hereditary breast cancer. Identifiers: Orphanet 227535, MedGen C0346153, MONDO:0016419, OMIM 114480. Disease mechanism: loss of function.

Submissions (2):

Ambry Genetics
Classification: Likely pathogenic for Hereditary cancer-predisposing syndrome. Last evaluated: 2024-11-04. Review status: criteria provided, single submitter. Criteria: Ambry Variant Classification Scheme 2023. Collection method: clinical testing. Allele origin: germline.
Comment: The c.792+2T>G intronic variant results from a T to G substitution two nucleotides after coding exon 5 in the CHEK2 gene. This nucleotide position is highly conserved in available vertebrate species. In silico splice site analysis predicts that this alteration will weaken the native splice donor site. This variant is considered to be rare based on population cohorts in the Genome Aggregation Database (gnomAD). Alterations that disrupt the canonical splice site are expected to cause aberrant splicing, resulting in an abnormal protein or a transcript that is subject to nonsense-mediated mRNA decay. As such, this alteration is classified as likely pathogenic.

Labcorp Genetics (formerly Invitae), Labcorp
Classification: Likely pathogenic for Familial cancer of breast. Last evaluated: 2020-09-08. Review status: criteria provided, single submitter. Criteria: Invitae Variant Classification Sherloc (09022015). Collection method: clinical testing. Allele origin: germline.
Comment: This variant has not been reported in the literature in individuals with CHEK2-related conditions. ClinVar contains an entry for this variant (Variation ID: 944634). This variant is not present in population databases (ExAC no frequency). This sequence change affects a donor splice site in intron 6 of the CHEK2 gene. It is expected to disrupt RNA splicing and likely results in an absent or disrupted protein product. Algorithms developed to predict the effect of sequence changes on RNA splicing suggest that this variant may disrupt the consensus splice site, but this prediction has not been confirmed by published transcriptional studies. In summary, the currently available evidence indicates that the variant is pathogenic, but additional data are needed to prove that conclusively. Therefore, this variant has been classified as Likely Pathogenic. Donor and acceptor splice site variants typically lead to a loss of protein function (PMID: 16199547), and loss-of-function variants in CHEK2 are known to be pathogenic (PMID: 21876083, 24713400).

Literature cited by the submitters: PubMed 16199547 (cited by Labcorp Genetics (formerly Invitae), Labcorp); PubMed 21876083 (cited by Labcorp Genetics (formerly Invitae), Labcorp); PubMed 24713400 (cited by Labcorp Genetics (formerly Invitae), Labcorp).